The following is an entry in ClinVar:

ClinVar aggregate classification (germline): Uncertain significance (1 of 4 stars; one submission).

Conditions:
Diets-Jongmans syndrome. Also called: INTELLECTUAL DEVELOPMENTAL DISORDER WITH DISTINCTIVE FACIAL DYSMORPHISM. Identifiers: MedGen C5394263, MONDO:0030012, OMIM 618846.

gnomAD v4.1: 4 of 1,613,992 alleles (0.00025%); highest among the groups gnomAD compares: East Asian, 0.0045%; no homozygotes.

Submission:

OLLIN Analises Genomicas, OLLIN
Classification: Uncertain significance for Diets-Jongmans syndrome. Last evaluated: 2026-08-06. Review status: criteria provided, single submitter. Criteria: ACMG Guidelines 2015 PMID 25741868. Collection method: clinical testing. Allele origin: germline.
Comment: This missense variant, located in exon 8 (of 24), has been observed in gnomAD with an allele frequency of 0.00025%, but has not been reported in ClinVar or identified in the literature. In silico analysis predicts that this variant has a tolerated effect. According to the currently available evidence, this variant has been classified as uncertain significance (PM2_P, BP4).

NM_016604.4(KDM3B):c.1824C>G (p.Ser608Arg)

Gene: KDM3B (lysine demethylase 3B; plus strand). Cytogenetic location: 5q31.2.
Variant type: single nucleotide variant.
Coding change: c.1824C>G on transcript NM_016604.4 (MANE Select); coding-DNA position 1824, C replaced by G.
Protein change: p.Ser608Arg; replaces serine 608 with arginine.
Molecular consequence: missense variant.
Genome position (GRCh38, 1-based): chr5:138,391,456, C>G. VCF-style: chr5-138391456-C-G. GRCh37 (hg19) VCF-style: chr5-137727145-C-G.
Other names: short protein forms S608R.
Identifiers: ClinVar variation 5002767 (VCV005002767.1).
Genomic context (GRCh38, chr5:138,391,456, plus strand): 5'-TGTGGACCGGAAAGTGCCTGCAGAGTCCATGCCCACCCTCACTCCAGCCTTCCCACGGAG[C>G]CTCCTAAATGCCCGTACCCCAGAGAATCATGAAAATCTATTTTTACAGCCCCCCAAATTG-3'
Protein context (NP_057688.3, residues 598-618): MPTLTPAFPR[Ser608Arg]LLNARTPENH